The following is an entry in ClinVar:

NM_001267550.2(TTN):c.45779T>C (p.Leu15260Pro)

Gene: TTN (titin; minus strand). Cytogenetic location: 2q31.2.
Variant type: single nucleotide variant.
Coding change: c.45779T>C on transcript NM_001267550.2 (MANE Select); coding-DNA position 45779, T replaced by C.
Protein change: p.Leu15260Pro; replaces leucine 15260 with proline.
Molecular consequence: missense variant.
Genome position (GRCh38, 1-based): chr2:178,620,831, A>G on the plus strand (T>C on the coding strand, the complement: TTN is on the minus strand). VCF-style: chr2-178620831-A-G. GRCh37 (hg19) VCF-style: chr2-179485558-A-G.
Other names: c.40856T>C, p.Leu13619Pro (NM_001256850.1); c.18584T>C, p.Leu6195Pro (NM_003319.4); c.38075T>C, p.Leu12692Pro (NM_133378.4); c.18959T>C, p.Leu6320Pro (NM_133432.3); c.19160T>C, p.Leu6387Pro (NM_133437.4); short protein forms L15260P, L12692P, L13619P, L6320P, L6387P, L6195P.
Identifiers: ClinVar variation 238784 (VCV000238784.21), dbSNP rs552053581, ClinGen allele CA1995371.

ClinVar aggregate classification (germline): Likely benign. Review status: criteria provided, multiple submitters, no conflicts (2 of 4 stars). 8 submissions from 8 submitters: Likely benign (5). 3 of the submissions do not count toward it. Last evaluated 2026-01-21.

Conditions:
TTN-related disorder. Also called: TTN-related disorders; TTN-related condition; TTN-related disease.
Cardiovascular phenotype. Identifiers: MedGen CN230736.
Autosomal recessive limb-girdle muscular dystrophy type 2J (LGMDR10). Also called: Limb-girdle muscular dystrophy, type 2J; MUSCULAR DYSTROPHY, LIMB-GIRDLE, AUTOSOMAL RECESSIVE 10. Identifiers: Orphanet 140922, MedGen C1837342, MONDO:0012127, OMIM 608807.
Dilated cardiomyopathy 1G (CMD1G). Identifiers: Orphanet 154, MedGen C1858763, MONDO:0011400, OMIM 604145.

Allele frequency attached by ClinVar (database versions not stated): gnomAD 0.00003 and 0.00011; TOPMed 0.00005; 1000 Genomes Project 30x 0.00016; 1000 Genomes Project 0.00020; gnomAD exomes 0.00025 and 0.00049; ExAC 0.00056.
gnomAD v4.1: 389 of 1,612,496 alleles (0.024%); highest among the groups gnomAD compares: South Asian, 0.39%; 2 homozygotes.

Submissions (8):

Labcorp Genetics (formerly Invitae), Labcorp
Classification: Likely benign for Dilated cardiomyopathy 1G; Autosomal recessive limb-girdle muscular dystrophy type 2J. Last evaluated: 2026-01-21. Review status: criteria provided, single submitter. Criteria: Invitae Variant Classification Sherloc (09022015). Collection method: clinical testing. Allele origin: germline.

Blueprint Genetics
Classification: Likely benign. Last evaluated: 2024-07-11. Review status: criteria provided, single submitter. Criteria: ACMG Guidelines, 2015. Collection method: clinical testing. Allele origin: germline.

Ambry Genetics
Classification: Likely benign for Cardiovascular phenotype. Last evaluated: 2020-03-04. Review status: criteria provided, single submitter. Criteria: Ambry Variant Classification Scheme 2023. Collection method: clinical testing. Allele origin: germline.

GeneDx
Classification: Likely benign. Last evaluated: 2020-01-21. Review status: criteria provided, single submitter. Criteria: GeneDx Variant Classification Process June 2021. Collection method: clinical testing. Allele origin: germline. Affected: yes.

Eurofins Ntd Llc (ga)
Classification: Likely benign. Last evaluated: 2018-07-31. Review status: criteria provided, single submitter. Criteria: EGL ClinVar v180209 classification definitions. Collection method: clinical testing. Allele origin: germline. Observed: 4 variant alleles, 4 heterozygotes.

PreventionGenetics, part of Exact Sciences
Classification: Likely benign for TTN-related condition. Last evaluated: 2022-03-31. Review status: no assertion criteria provided. Collection method: clinical testing. Allele origin: germline. Not counted in ClinVar's aggregate classification.
Comment: This variant is classified as likely benign based on ACMG/AMP sequence variant interpretation guidelines (Richards et al. 2015 PMID: 25741868, with internal and published modifications).

Clinical Genetics DNA and cytogenetics Diagnostics Lab, Erasmus MC, Erasmus Medical Center
Classification: Likely benign. Review status: no assertion criteria provided. Collection method: clinical testing. Allele origin: germline. Affected: yes. Study: VKGL Data-share Consensus. Not counted in ClinVar's aggregate classification.

Genome Diagnostics Laboratory, University Medical Center Utrecht
Classification: Likely benign. Review status: no assertion criteria provided. Collection method: clinical testing. Allele origin: germline. Affected: yes. Study: VKGL Data-share Consensus. Not counted in ClinVar's aggregate classification.